The following is an entry in ClinVar:

ClinVar aggregate classification (germline): Uncertain significance (1 of 4 stars; one submission).

Submission:

Labcorp Genetics (formerly Invitae), Labcorp
Classification: Uncertain significance. Last evaluated: 2022-05-07. Review status: criteria provided, single submitter. Criteria: Invitae Variant Classification Sherloc (09022015). Collection method: clinical testing. Allele origin: germline.
Comment: This variant has not been reported in the literature in individuals affected with MCM3AP-related conditions. This variant is not present in population databases (gnomAD no frequency). This sequence change replaces leucine, which is neutral and non-polar, with histidine, which is basic and polar, at codon 1450 of the MCM3AP protein (p.Leu1450His). In summary, the available evidence is currently insufficient to determine the role of this variant in disease. Therefore, it has been classified as a Variant of Uncertain Significance. Algorithms developed to predict the effect of missense changes on protein structure and function (SIFT, PolyPhen-2, Align-GVGD) all suggest that this variant is likely to be disruptive.

NM_003906.5(MCM3AP):c.4349T>A (p.Leu1450His)

Genes: MCM3AP (minichromosome maintenance complex component 3 associated protein; minus strand), MCM3AP-AS1 (MCM3AP antisense RNA 1; plus strand). Cytogenetic location: 21q22.3.
Variant type: single nucleotide variant.
Coding change: c.4349T>A on transcript NM_003906.5 (MANE Select); coding-DNA position 4349, T replaced by A.
Protein change: p.Leu1450His; replaces leucine 1450 with histidine.
Molecular consequence: missense variant.
Genome position (GRCh38, 1-based): chr21:46,246,828, A>T on the plus strand (T>A on the coding strand, the complement: MCM3AP is on the minus strand). VCF-style: chr21-46246828-A-T. GRCh37 (hg19) VCF-style: chr21-47666742-A-T.
Other names: short protein forms L1450H.
Identifiers: ClinVar variation 2134984 (VCV002134984.4), dbSNP rs1002071129, ClinGen allele CA410545625.
Genomic context (GRCh38, chr21:46,246,828, plus strand): 5'-GCCATGTCCTCACTCTTCATTTTGGGGGGAAGCAGCAGCATGAGCCCACTGGCTCCCAGG[A>T]GGTCCTTCTGTGTCTCCACAGCATCAATGGCACCATCACTGAGGGCGCCATGGGCCACCT-3'
Protein context (NP_003897.2, residues 1440-1460): AIDAVETQKD[Leu1450His]LGASGLMLLL